The following is an entry in ClinVar:

ClinVar aggregate classification (germline): Pathogenic (1 of 4 stars; one submission).

Submission:

Labcorp Genetics (formerly Invitae), Labcorp
Classification: Pathogenic. Last evaluated: 2025-02-05. Review status: criteria provided, single submitter. Criteria: Invitae Variant Classification Sherloc (09022015). Collection method: clinical testing. Allele origin: germline.
Comment: This sequence change creates a premature translational stop signal (p.Leu1706Argfs*15) in the ADGRV1 gene. It is expected to result in an absent or disrupted protein product. Loss-of-function variants in ADGRV1 are known to be pathogenic (PMID: 19357117, 22135276, 22147658, 26226137, 30718709, 31047384, 32467589). This variant is not present in population databases (gnomAD no frequency). This variant has not been reported in the literature in individuals affected with ADGRV1-related conditions. For these reasons, this variant has been classified as Pathogenic.

Literature cited by the submitters: PubMed 19357117; PubMed 22135276; PubMed 22147658; PubMed 26226137; PubMed 30718709; PubMed 31047384; PubMed 32467589.

NM_032119.4(ADGRV1):c.5117del (p.Leu1706fs)

Gene: ADGRV1 (adhesion G protein-coupled receptor V1; plus strand). Cytogenetic location: 5q14.3.
Variant type: Deletion.
Coding change: c.5117del on transcript NM_032119.4 (MANE Select); coding-DNA position 5117, one base deleted (T; older notation c.5117delT).
Protein change: p.Leu1706fs; shifts the reading frame from leucine 1706.
Molecular consequence: frameshift variant. On other transcripts: non-coding transcript variant (1).
Genome position (GRCh38, 1-based): chr5:90,675,249, T deleted. VCF-style (leftmost placement, unchanged base first): chr5-90675248-CT-C. GRCh37 (hg19) VCF-style: chr5-89971065-CT-C.
Other names: short protein forms L1706fs.
Identifiers: ClinVar variation 3721854 (VCV003721854.2).